The following is an entry in ClinVar:

ClinVar aggregate classification (germline): Uncertain significance. Review status: criteria provided, multiple submitters, no conflicts (2 of 4 stars). 2 submissions from 2 submitters: Uncertain significance (2). Last evaluated 2025-03-10.

Conditions:
Kabuki syndrome 1 (KABUK1). Also called: KMT2D-Related Kabuki Syndrome. Identifiers: Orphanet 2322, MedGen CN030661, MONDO:0007843, OMIM 147920.
Choanal atresia-athelia-hypothyroidism-delayed puberty-short stature syndrome (BCAHH). Also called: BRANCHIAL ARCH ABNORMALITIES, CHOANAL ATRESIA, ATHELIA, HEARING LOSS, AND HYPOTHYROIDISM SYNDROME. Identifiers: Orphanet 589856, MedGen C5680310, MONDO:0035651, OMIM 620186.
Kabuki syndrome. Also called: Kabuki make-up syndrome; NIIKAWA-KUROKI SYNDROME. Identifiers: Orphanet 2322, MedGen C0796004, MONDO:0016512.

Submissions (2):

Labcorp Genetics (formerly Invitae), Labcorp
Classification: Uncertain significance for Kabuki syndrome. Last evaluated: 2025-03-10. Review status: criteria provided, single submitter. Criteria: Invitae Variant Classification Sherloc (09022015). Collection method: clinical testing. Allele origin: germline.
Comment: This variant, c.11750_11758dup, results in the insertion of 3 amino acid(s) of the KMT2D protein (p.Gln3917_Gln3919dup), but otherwise preserves the integrity of the reading frame. The frequency data for this variant in the population databases is considered unreliable, as metrics indicate poor data quality at this position in the gnomAD database. This variant has not been reported in the literature in individuals affected with KMT2D-related conditions. Experimental studies and prediction algorithms are not available or were not evaluated, and the functional significance of this variant is currently unknown. In summary, the available evidence is currently insufficient to determine the role of this variant in disease. Therefore, it has been classified as a Variant of Uncertain Significance.

Fulgent Genetics
Classification: Uncertain significance for Kabuki syndrome 1; Choanal atresia-athelia-hypothyroidism-delayed puberty-short stature syndrome. Last evaluated: 2024-01-22. Review status: criteria provided, single submitter. Criteria: ACMG Guidelines, 2015. Collection method: clinical testing. Allele origin: germline.

NM_003482.4(KMT2D):c.11738AGC[10] (p.Gln3919_Leu3920insGlnGlnGln)

Gene: KMT2D (lysine methyltransferase 2D; minus strand). Cytogenetic location: 12q13.12.
Variant type: Microsatellite.
Coding change: c.11738AGC[10] on transcript NM_003482.4 (MANE Select); ten copies in a row of the 3-base unit AGC starting at c.11738; the reference has seven copies in a row; three copies, 9 bases duplicated; also written c.11750_11758dup.
Protein change: p.Gln3919_Leu3920insGlnGlnGln.
Molecular consequence: inframe insertion.
Genome position (GRCh38, 1-based): chr12:49,032,947-49,032,955, GCTGCTGCT duplicated on the plus strand (AGCAGCAGC on the coding strand, the reverse complement: KMT2D is on the minus strand); duplicating any 9 consecutive bases within chr12:49,032,947-49,032,968 gives the same sequence; the position shown is the placement nearest the transcript's 3' end. VCF-style (leftmost placement, unchanged base first): chr12-49032946-A-AGCTGCTGCT. GRCh37 (hg19) VCF-style: chr12-49426729-A-AGCTGCTGCT.
Other names: c.11750_11758dup (NM_003482.4).
Identifiers: ClinVar variation 2052490 (VCV002052490.5), dbSNP rs576788910, ClinGen allele CA479708548.